The following is an entry in ClinVar:

NM_001040108.2(MLH3):c.294A>G (p.Ala98=)

Gene: MLH3 (mutL homolog 3; minus strand). Cytogenetic location: 14q24.3.
Variant type: single nucleotide variant.
Coding change: c.294A>G on transcript NM_001040108.2 (MANE Select); coding-DNA position 294, A replaced by G.
Protein change: p.Ala98=; no amino-acid change (alanine 98 retained).
Molecular consequence: synonymous variant.
Genome position (GRCh38, 1-based): chr14:75,049,362, T>C on the plus strand (A>G on the coding strand, the complement: MLH3 is on the minus strand). VCF-style: chr14-75049362-T-C. GRCh37 (hg19) VCF-style: chr14-75516065-T-C.
Other names: c.294A>G, p.Ala98= (NM_014381.3).
Identifiers: ClinVar variation 1798011 (VCV001798011.3), dbSNP rs1480412337, ClinGen allele CA487274795.

ClinVar aggregate classification (germline): Benign/Likely benign. Review status: criteria provided, multiple submitters, no conflicts (2 of 4 stars). 2 submissions from 2 submitters: Benign (1); Likely benign (1). Last evaluated 2026-04-28.

Conditions:
Colorectal cancer, hereditary nonpolyposis, type 7. Identifiers: Orphanet 144, MedGen C1858380, MONDO:0013725, OMIM 614385.

Allele frequency attached by ClinVar (database versions not stated): TOPMed 0.00002; gnomAD exomes 0.00001; gnomAD 0.00001.
gnomAD v4.1: 4 of 1,614,002 alleles (0.00025%); highest among the groups gnomAD compares: African/African-American, 0.0053%; no homozygotes.

Submissions (2):

Myriad Genetics, Inc.
Classification: Benign for Colorectal cancer, hereditary nonpolyposis, type 7. Last evaluated: 2026-04-28. Review status: criteria provided, single submitter. Criteria: Myriad Autosomal Dominant, Autosomal Recessive and X-Linked Classification Criteria (2023). Collection method: clinical testing. Allele origin: unknown.
Comment: This variant is considered benign. This variant is a silent/synonymous amino acid change and it is not expected to impact splicing.

Ambry Genetics
Classification: Likely benign. Last evaluated: 2019-09-06. Review status: criteria provided, single submitter. Criteria: Ambry Variant Classification Scheme 2023. Collection method: clinical testing. Allele origin: germline.